The following is an entry in ClinVar:

ClinVar aggregate classification (germline): Uncertain significance. Review status: criteria provided, multiple submitters, no conflicts (2 of 4 stars). 2 submissions from 2 submitters: Uncertain significance (2). Last evaluated 2026-02-16.

Conditions:
PLXNA1-related disorder. Also called: PLXNA1-related condition.

Allele frequency attached by ClinVar (database versions not stated): TOPMed 0.00009; ExAC 0.00002; gnomAD 0.00006; gnomAD exomes 0.00008.
gnomAD v4.1: 122 of 1,613,742 alleles (0.0076%); highest among the groups gnomAD compares: African/African-American, 0.012%; no homozygotes.

Submissions (2):

PreventionGenetics, part of Exact Sciences
Classification: Uncertain significance for PLXNA1-related condition. Last evaluated: 2026-02-16. Review status: criteria provided, single submitter. Criteria: ACMG Guidelines, 2015. Collection method: clinical testing. Allele origin: germline.
Comment: The PLXNA1 c.2341G>A variant is predicted to result in the amino acid substitution p.Asp781Asn. To our knowledge, this variant has not been reported in the literature. This variant is reported in 0.024% of alleles in individuals of African descent in gnomAD. At this time, the clinical significance of this variant is uncertain due to the absence of conclusive functional and genetic evidence.

Ambry Genetics
Classification: Uncertain significance. Last evaluated: 2021-06-11. Review status: criteria provided, single submitter. Criteria: Ambry Variant Classification Scheme 2023. Collection method: clinical testing. Allele origin: germline.

NM_032242.4(PLXNA1):c.2341G>A (p.Asp781Asn)

Gene: PLXNA1 (plexin A1; plus strand). Cytogenetic location: 3q21.3.
Variant type: single nucleotide variant.
Coding change: c.2341G>A on transcript NM_032242.4 (MANE Select); coding-DNA position 2341, G replaced by A.
Protein change: p.Asp781Asn; replaces aspartic acid 781 with asparagine.
Molecular consequence: missense variant.
Genome position (GRCh38, 1-based): chr3:127,014,047, G>A. VCF-style: chr3-127014047-G-A. GRCh37 (hg19) VCF-style: chr3-126732890-G-A.
Other names: short protein forms D781N.
Identifiers: ClinVar variation 2376958 (VCV002376958.5), dbSNP rs773918050, ClinGen allele CA2593590.